The following is an entry in ClinVar:

NM_000530.8(MPZ):c.90C>G (p.Ile30Met)

Gene: MPZ (myelin protein zero; minus strand). Cytogenetic location: 1q23.3.
Variant type: single nucleotide variant.
Coding change: c.90C>G on transcript NM_000530.8 (MANE Select); coding-DNA position 90, C replaced by G.
Protein change: p.Ile30Met; replaces isoleucine 30 with methionine.
Molecular consequence: missense variant.
Genome position (GRCh38, 1-based): chr1:161,307,402, G>C on the plus strand (C>G on the coding strand, the complement: MPZ is on the minus strand). VCF-style: chr1-161307402-G-C. GRCh37 (hg19) VCF-style: chr1-161277192-G-C.
Other names: c.90C>G, p.Ile30Met (NM_001315491.2); c.90C>G (LRG_256t1); short protein forms I30M.
Identifiers: ClinVar variation 217235 (VCV000217235.14), dbSNP rs770546306, ClinGen allele CA277615.
Genomic context (GRCh38, chr1:161,307,402, plus strand): 5'-GCAGTGCAGGGTCACCCGGGAGCCCACAGCACCATGGACCTCCCTGTCGGTGTAAACCAC[G>C]ATGGCCTGGGCCGGGGACAGCACTGCAAGCACAAAGTGGGGAATCAGATGCACCTATGGG-3'
Protein context (NP_000521.2, residues 20-40): SSLVLSPAQA[Ile30Met]VVYTDREVHG

ClinVar aggregate classification (germline): Pathogenic. Review status: criteria provided, multiple submitters, no conflicts (2 of 4 stars). 4 submissions from 4 submitters: Pathogenic (3). 1 of the submissions does not count toward it. Last evaluated 2025-12-20.

Conditions:
Charcot-Marie-Tooth disease. Also called: Charcot-Marie-Tooth Hereditary Neuropathy; Charcot-Marie-Tooth Neuropathy. Identifiers: Orphanet 166, MedGen C0007959, MONDO:0015626.
Charcot-Marie-Tooth disease, type I (CMT1). Also called: Charcot-Marie-Tooth, Type 1; Charcot-Marie-Tooth disease type 1. Identifiers: Orphanet 65753, MedGen C0751036, MONDO:0019011.

Submissions (4):

Labcorp Genetics (formerly Invitae), Labcorp
Classification: Pathogenic for Charcot-Marie-Tooth disease, type I. Last evaluated: 2025-12-20. Review status: criteria provided, single submitter. Criteria: Invitae Variant Classification Sherloc (09022015). Collection method: clinical testing. Allele origin: germline.
Comment: This sequence change replaces isoleucine, which is neutral and non-polar, with methionine, which is neutral and non-polar, at codon 30 of the MPZ protein (p.Ile30Met). This variant is not present in population databases (gnomAD no frequency). This missense change has been observed in individuals with Charcot-Marie-Tooth disease, type 1B (PMID: 7694726, 26454100; internal datadatabase). It has also been observed to segregate with disease in related individuals. Invitae Evidence Modeling of clinical and family history, age, sex, and reported ancestry of multiple individuals with this MPZ variant has been performed. This variant is expected to be pathogenic with a positive predictive value of at least 99%. This is a validated machine learning model that incorporates the clinical features of 13,236 individuals referred to our laboratory for MPZ testing. ClinVar contains an entry for this variant (Variation ID: 217235). Invitae Evidence Modeling of protein sequence and biophysical properties (such as structural, functional, and spatial information, amino acid conservation, physicochemical variation, residue mobility, and thermodynamic stability) indicates that this missense variant is not expected to disrupt MPZ protein function with a negative predictive value of 80%. For these reasons, this variant has been classified as Pathogenic.

GeneDx
Classification: Pathogenic. Last evaluated: 2025-06-09. Review status: criteria provided, single submitter. Criteria: GeneDx Variant Classification Process June 2021. Collection method: clinical testing. Allele origin: germline. Affected: yes.
Comment: Segregates with disease in affected individuals with MPZ-related features from unrelated families in the published literature (PMID: 7694726, 26454100); In silico analysis indicates that this missense variant does not alter protein structure/function; Not observed at significant frequency in large population cohorts (gnomAD); Missense variants in this gene are a common cause of disease and they are underrepresented in the general population; This variant is associated with the following publications: (PMID: 10923043, 33179255, 20461396, 26310628, 17143884, 26135405, 26454100, 7694726, 31315766, 34925207, 12402337, 19259128, 8664899)

Athena Diagnostics
Classification: Pathogenic. Last evaluated: 2015-06-17. Review status: criteria provided, single submitter. Criteria: Athena Diagnostics Criteria. Collection method: clinical testing. Allele origin: unknown.

Inherited Neuropathy Consortium
Classification: Uncertain significance for Charcot-Marie-Tooth disease. Review status: no assertion criteria provided. Collection method: literature only. Allele origin: germline. Affected: yes. Not counted in ClinVar's aggregate classification.

Literature cited by the submitters: PubMed 7694726 (cited by 3 submitters); PubMed 26454100 (cited by Labcorp Genetics (formerly Invitae), Labcorp).